The following is an entry in ClinVar:

NM_004380.3(CREBBP):c.1309A>G (p.Ser437Gly)

Gene: CREBBP (CREB binding lysine acetyltransferase; minus strand). Cytogenetic location: 16p13.3.
Variant type: single nucleotide variant.
Coding change: c.1309A>G on transcript NM_004380.3 (MANE Select); coding-DNA position 1309, A replaced by G.
Protein change: p.Ser437Gly; replaces serine 437 with glycine.
Molecular consequence: missense variant. On other transcripts: intron variant (1).
Genome position (GRCh38, 1-based): chr16:3,792,002, T>C on the plus strand (A>G on the coding strand, the complement: CREBBP is on the minus strand). VCF-style: chr16-3792002-T-C. GRCh37 (hg19) VCF-style: chr16-3842003-T-C.
Other names: c.1216+1384A>G (NM_001079846.1); short protein forms S437G.
Identifiers: ClinVar variation 4979631 (VCV004979631.1).

ClinVar aggregate classification (germline): Uncertain significance (1 of 4 stars; one submission).

Conditions:
CREBBP-related disorder. Also called: CREBBP-related disorders; CREBBP-related condition.

gnomAD v4.1: 8 of 1,614,122 alleles (0.0005%); highest among the groups gnomAD compares: Non-Finnish European, 0.00068%; no homozygotes.

Submission:

PreventionGenetics, part of Exact Sciences
Classification: Uncertain significance for CREBBP-related condition. Last evaluated: 2025-08-28. Review status: criteria provided, single submitter. Criteria: ACMG Guidelines, 2015. Collection method: clinical testing. Allele origin: germline.
Comment: The CREBBP c.1309A>G variant is predicted to result in the amino acid substitution p.Ser437Gly. To our knowledge, this variant has not been reported in the literature. This variant is reported in 0.00088% of alleles in individuals of European (Non-Finnish) descent in gnomAD. At this time, the clinical significance of this variant is uncertain due to the absence of conclusive functional and genetic evidence.